The following is an entry in ClinVar:

NM_001199753.2(CPT1C):c.1013G>A (p.Arg338Gln)

Gene: CPT1C (carnitine palmitoyltransferase 1C; plus strand). Cytogenetic location: 19q13.33.
Variant type: single nucleotide variant.
Coding change: c.1013G>A on transcript NM_001199753.2 (MANE Select); coding-DNA position 1013, G replaced by A.
Protein change: p.Arg338Gln; replaces arginine 338 with glutamine.
Molecular consequence: missense variant. On other transcripts: non-coding transcript variant (1).
Genome position (GRCh38, 1-based): chr19:49,705,957, G>A. VCF-style: chr19-49705957-G-A. GRCh37 (hg19) VCF-style: chr19-50209214-G-A.
Other names: c.1079G>A, p.Arg360Gln (NM_001378482.1); c.1013G>A, p.Arg338Gln (NM_001378483.1, NM_001378484.1, NM_001378486.1 and 3 more transcripts); c.980G>A, p.Arg327Gln (NM_001378485.1, NM_001378487.1, NM_001136052.3); short protein forms R327Q, R338Q, R360Q.
Identifiers: ClinVar variation 2731434 (VCV002731434.3), dbSNP rs373239966, ClinGen allele CA9582053.
Genomic context (GRCh38, chr19:49,705,957, plus strand): 5'-CGCCACCCCTAGACTACATCCGCCACCTCCATGACAGCCAACACGTGGCTGTCTTCCACC[G>A]GGGCCGATTCTTCCGCATGGGGACCCACTCCCGAAACAGCCTGCTTTCCCCGAGAGCCCT-3'
Protein context (NP_001186682.1, residues 328-348): HDSQHVAVFH[Arg338Gln]GRFFRMGTHS

ClinVar aggregate classification (germline): Uncertain significance (1 of 4 stars; one submission).

Conditions:
Hereditary spastic paraplegia 73. Also called: Spastic paraplegia 73, autosomal dominant. Identifiers: Orphanet 444099, MedGen C5568981, MONDO:0014568, OMIM 616282.

Allele frequency attached by ClinVar (database versions not stated): ExAC 0.00004; TOPMed 0.00004; gnomAD 0.00005; gnomAD exomes 0.00005; ESP Exome Variant Server 0.00008.
gnomAD v4.1: 83 of 1,613,608 alleles (0.0051%); highest among the groups gnomAD compares: Middle Eastern, 0.017%; no homozygotes.

Submission:

Labcorp Genetics (formerly Invitae), Labcorp
Classification: Uncertain significance for Hereditary spastic paraplegia 73. Last evaluated: 2024-09-09. Review status: criteria provided, single submitter. Criteria: Invitae Variant Classification Sherloc (09022015). Collection method: clinical testing. Allele origin: germline.
Comment: This sequence change replaces arginine, which is basic and polar, with glutamine, which is neutral and polar, at codon 327 of the CPT1C protein (p.Arg327Gln). This variant is present in population databases (rs373239966, gnomAD 0.008%). This variant has not been reported in the literature in individuals affected with CPT1C-related conditions. Invitae Evidence Modeling of protein sequence and biophysical properties (such as structural, functional, and spatial information, amino acid conservation, physicochemical variation, residue mobility, and thermodynamic stability) indicates that this missense variant is not expected to disrupt CPT1C protein function with a negative predictive value of 80%. Algorithms developed to predict the effect of sequence changes on RNA splicing suggest that this variant may disrupt the consensus splice site. In summary, the available evidence is currently insufficient to determine the role of this variant in disease. Therefore, it has been classified as a Variant of Uncertain Significance.